The following is an entry in ClinVar:

NM_017791.3(FLVCR2):c.1076T>C (p.Leu359Pro)

Gene: FLVCR2 (FLVCR choline and putative heme transporter 2; plus strand). Cytogenetic location: 14q24.3.
Variant type: single nucleotide variant.
Coding change: c.1076T>C on transcript NM_017791.3 (MANE Select); coding-DNA position 1076, T replaced by C.
Protein change: p.Leu359Pro; replaces leucine 359 with proline.
Molecular consequence: missense variant.
Genome position (GRCh38, 1-based): chr14:75,634,965, T>C. VCF-style: chr14-75634965-T-C. GRCh37 (hg19) VCF-style: chr14-76101308-T-C.
Other names: c.461T>C, p.Leu154Pro (NM_001195283.2); short protein forms L154P, L359P.
Identifiers: ClinVar variation 4755688 (VCV004755688.1).
Genomic context (GRCh38, chr14:75,634,965, plus strand): 5'-CCCAGGGGGAAGAAGTGAATGCTGGAAGAATTGGCCTGACGATCGTCATTGCAGGAATGC[T>C]TGGGGCTGTGATCTCAGGAATCTGGCTGGATAGGTCCAAAACCTACAAGTAAGTGACTCA-3'
Protein context (NP_060261.2, residues 349-369): IGLTIVIAGM[Leu359Pro]GAVISGIWLD

ClinVar aggregate classification (germline): Likely pathogenic (1 of 4 stars; one submission).

gnomAD v4.1: 16 of 1,614,018 alleles (0.00099%); highest among the groups gnomAD compares: Non-Finnish European, 0.0014%; no homozygotes.

Submission:

GeneDx
Classification: Likely pathogenic. Last evaluated: 2025-08-04. Review status: criteria provided, single submitter. Criteria: GeneDx Variant Classification Process June 2021. Collection method: clinical testing. Allele origin: germline. Affected: yes.
Comment: In silico analysis supports that this missense variant has a deleterious effect on protein structure/function; Not observed at significant frequency in large population cohorts (gnomAD); This variant is associated with the following publications: (PMID: 20690116)